The following is an entry in ClinVar:

ClinVar aggregate classification (germline): Uncertain significance (1 of 4 stars; one submission).

Submission:

GeneDx
Classification: Uncertain significance. Last evaluated: 2025-06-26. Review status: criteria provided, single submitter. Criteria: GeneDx Variant Classification Process June 2021. Collection method: clinical testing. Allele origin: germline. Affected: yes.
Comment: Not observed at significant frequency in large population cohorts (gnomAD); In silico analysis suggests that this missense variant does not alter protein structure/function; Has not been previously published as pathogenic or benign to our knowledge

NM_015559.3(SETBP1):c.2221G>A (p.Glu741Lys)

Gene: SETBP1 (SET binding protein 1; plus strand). Cytogenetic location: 18q12.3.
Variant type: single nucleotide variant.
Coding change: c.2221G>A on transcript NM_015559.3 (MANE Select); coding-DNA position 2221, G replaced by A.
Protein change: p.Glu741Lys; replaces glutamic acid 741 with lysine.
Molecular consequence: missense variant.
Genome position (GRCh38, 1-based): chr18:44,951,561, G>A. VCF-style: chr18-44951561-G-A. GRCh37 (hg19) VCF-style: chr18-42531526-G-A.
Other names: c.2221G>A, p.Glu741Lys (NM_001379141.1, NM_001379142.1, NM_001410862.1); short protein forms E741K.
Identifiers: ClinVar variation 4539900 (VCV004539900.1).
Genomic context (GRCh38, chr18:44,951,561, plus strand): 5'-ATCTACATTGGCAAGAAGCGGGGCAGGAAGCCAAGAGCAGAGCTGCCACCCCCATCCGAA[G>A]AACCCAAAACAGCCATCAAGCACCCCAGGCCTGTTTCTAGCCAGCCGGATGTTCCAGCCG-3'
Protein context (NP_056374.2, residues 731-751): PRAELPPPSE[Glu741Lys]PKTAIKHPRP